The following is an entry in ClinVar:

ClinVar aggregate classification (germline): Pathogenic/Likely pathogenic. Review status: criteria provided, multiple submitters, no conflicts (2 of 4 stars). 11 submissions from 11 submitters: Pathogenic (9); Likely pathogenic (2). Last evaluated 2026-01-12.

Conditions:
Muscle eye brain disease (MEB). Also called: Santavuori congenital muscular dystrophy. Identifiers: Orphanet 588, Orphanet 899, MedGen C0457133, MONDO:0018939.
Autosomal recessive limb-girdle muscular dystrophy type 2O. Also called: Limb-Girdle Muscular Dystrophy Type 3C; MUSCULAR DYSTROPHY-DYSTROGLYCANOPATHY (LIMB-GIRDLE), TYPE C, 3; MUSCULAR DYSTROPHY-DYSTROGLYCANOPATHY, LIMB-GIRDLE, POMGNT1-RELATED. Identifiers: Orphanet 206564, MedGen C3150417, MONDO:0013161, OMIM 613157.
Muscular dystrophy-dystroglycanopathy (congenital with impaired intellectual development), type B, 3. Also called: MUSCULAR DYSTROPHY, CONGENITAL, POMGNT1-RELATED; Muscular dystrophy-dystroglycanopathy (congenital with intellectual disability), type B3. Identifiers: MedGen C3150412, MONDO:0013155, OMIM 613151.
Autosomal recessive limb-girdle muscular dystrophy. Identifiers: Orphanet 102015, MedGen C2931907, MONDO:0015152.
POMGNT1-related disorder. Also called: POMGNT1-related condition; POMGNT1-related disorders. Identifiers: MedGen CN239299.
Muscular dystrophy-dystroglycanopathy. Also called: Congenital muscular dystrophy due to dystroglycanopathy. Identifiers: Orphanet 370953, MedGen C5679911, MONDO:0018276.
Muscular dystrophy-dystroglycanopathy (congenital with brain and eye anomalies), type A3. Also called: Congenital muscular dystrophy-dystroglycanopathy with brain and eye anomalies, type A3; WALKER-WARBURG SYNDROME OR MUSCLE-EYE-BRAIN DISEASE, POMGNT1-RELATED; Muscular dystrophy-dystroglycanopathy (congenital with brain and eye anomalies), type A, 3. Identifiers: MedGen C3151519, MONDO:0009667, OMIM 253280.
Retinitis pigmentosa 76 (RP76). Identifiers: MedGen C4310704, MONDO:0014929, OMIM 617123.

Allele frequency attached by ClinVar (database versions not stated): gnomAD 0.00001; gnomAD exomes 0.00002; ESP Exome Variant Server 0.00008; TOPMed 0.00002; ExAC 0.00003.
gnomAD v4.1: 32 of 1,614,050 alleles (0.002%); highest among the groups gnomAD compares: Admixed American, 0.0033%; no homozygotes.

Submissions 1 to 7 of 11:

Labcorp Genetics (formerly Invitae), Labcorp
Classification: Pathogenic for Autosomal recessive limb-girdle muscular dystrophy type 2O; Muscular dystrophy-dystroglycanopathy (congenital with impaired intellectual development), type B, 3. Last evaluated: 2026-01-12. Review status: criteria provided, single submitter. Criteria: Invitae Variant Classification Sherloc (09022015). Collection method: clinical testing. Allele origin: germline.
Comment: This sequence change replaces arginine, which is basic and polar, with histidine, which is basic and polar, at codon 442 of the POMGNT1 protein (p.Arg442His). This variant is present in population databases (rs150877512, gnomAD 0.003%). This missense change has been observed in individual(s) with clinical features of POMGNT1-related conditions (PMID: 15938569, 23894383). ClinVar contains an entry for this variant (Variation ID: 872288). Invitae Evidence Modeling of protein sequence and biophysical properties (such as structural, functional, and spatial information, amino acid conservation, physicochemical variation, residue mobility, and thermodynamic stability) indicates that this missense variant is expected to disrupt POMGNT1 protein function with a positive predictive value of 95%. Experimental studies have shown that this missense change affects POMGNT1 function (PMID: 21361872). This variant disrupts the p.Arg442 amino acid residue in POMGNT1. Other variant(s) that disrupt this residue have been determined to be pathogenic (PMID: 15236414, 17906881, 21361872). This suggests that this residue is clinically significant, and that variants that disrupt this residue are likely to be disease-causing. For these reasons, this variant has been classified as Pathogenic.

Variantyx, Inc.
Classification: Pathogenic for Muscular dystrophy-dystroglycanopathy (congenital with brain and eye anomalies), type A3. Last evaluated: 2025-09-11. Review status: criteria provided, single submitter. Criteria: Variantyx Assertion Criteria 2022. Collection method: clinical testing. Allele origin: germline. Inheritance: Autosomal recessive inheritance.
Comment: This is a nonsynonymous variant in the POMGNT1 gene (OMIM: 606822). Pathogenic variants in this gene have been associated with autosomal recessive congenital muscular dystrophy-dystroglycanopathy with brain and eye anomalies type 3A. This variant has been reported in the homozygous or compound heterozygous state in at least four unrelated affected individuals (PMID: 17906881, 21361872, 23894383, 1786951) (PM3). Functional studies have shown that this variant alters POMGNT1 protein function (PMID: 21361872) (PS3) and an alternate amino acid change at this position (p.Arg442Cys) has been previously reported in similarly affected individuals, which suggests that this residue is biologically important (PMID: 15236414, 17906881)(PM5). Moreover, multiple computational algorithms predict a deleterious effect for this variant (REVEL score: 0.868) (PP3). This variant has a 0.0033% maximum allele frequency in non-founder control populations (PM2). Based on the current evidence, this variant is classified as pathogenic for autosomal recessive congenital muscular dystrophy-dystroglycanopathy with brain and eye anomalies type 3A.

Natera, Inc.
Classification: Pathogenic for Muscle-eye-brain disease. Last evaluated: 2025-08-04. Review status: criteria provided, single submitter. Criteria: Natera Variant Classification Schema (03/2026). Collection method: clinical testing. Allele origin: germline.
Comment: The c.1325G>A variant in POMGNT1 is a missense variant predicted to cause substitution of arginine to histidine at amino acid 442. This variant is rare in the general population with a frequency below the threshold expected for the associated phenotype(s). This variant has been observed in one or more individuals affected with the associated recessive disease, as either homozygous or compound heterozygous with a second variant (PMID: 17906881, 21361872, 20816175, 33200426, 33914258). This variant has been identified in one or more affected individuals with a phenotype highly consistent with the associated gene (PMID: 17906881, 21361872). A different variant at the same position has been determined to be Pathogenic or Likely Pathogenic. Computational prediction algorithms indicate this variant is likely to affect gene or protein function. Given the available evidence, this variant is classified as Pathogenic.

PreventionGenetics, part of Exact Sciences
Classification: Pathogenic for POMGNT1-related condition. Last evaluated: 2025-02-19. Review status: criteria provided, single submitter. Criteria: ACMG Guidelines, 2015. Collection method: clinical testing. Allele origin: germline.
Comment: The POMGNT1 c.1325G>A variant is predicted to result in the amino acid substitution p.Arg442His. This variant has been reported in the compound heterozygous state in an individual with muscle-eye-brain (MEB) disease (Voglmeir et al. 2011. PubMed ID: 21361872) and has been reported in the homozygous state in an individual with congenital muscular dystrophy (Manya et al. 2007. PubMed ID: 17869517). In vitro functional studies show minimal to undetectable POMGNT1activity (Voglmeir et al. 2011. PubMed ID: 21361872; Manya et al. 2007. PubMed ID: 17869517). Alternate nucleotide changes affecting the same amino acid (p.Arg442Cys and p.Arg442Leu) have been reported in individuals with MEB (Voglmeir et al. 2011. PubMed ID: 21361872; Jiao et al. 2013. PubMed ID: 23689641) and p.Arg442Cys is interpreted as pathogenic (Internal Data, PreventionGenetics). This variant is reported in 0.0029% of alleles in individuals of Latino descent in gnomAD. This variant is interpreted as pathogenic.

Fulgent Genetics
Classification: Pathogenic for Muscular dystrophy-dystroglycanopathy (congenital with brain and eye anomalies), type A3; Muscular dystrophy-dystroglycanopathy (congenital with impaired intellectual development), type B, 3; Autosomal recessive limb-girdle muscular dystrophy type 2O; Retinitis pigmentosa 76. Last evaluated: 2024-06-19. Review status: criteria provided, single submitter. Criteria: ACMG Guidelines, 2015. Collection method: clinical testing. Allele origin: germline.

Blueprint Genetics
Classification: Pathogenic for POMGNT1-related disorders. Last evaluated: 2024-05-10. Review status: criteria provided, single submitter. Criteria: ACMG Guidelines, 2015. Collection method: clinical testing. Allele origin: germline. Affected: yes. Observed: 4 variant alleles.

Baylor Genetics
Classification: Pathogenic for Muscular dystrophy-dystroglycanopathy (congenital with brain and eye anomalies), type A3. Last evaluated: 2024-03-19. Review status: criteria provided, single submitter. Criteria: ACMG Guidelines, 2015. Collection method: clinical testing. Allele origin: unknown.

NM_017739.4(POMGNT1):c.1325G>A (p.Arg442His)

Genes: POMGNT1 (protein O-linked mannose N-acetylglucosaminyltransferase 1 (beta 1,2-); minus strand), TSPAN1 (tetraspanin 1; plus strand). Cytogenetic location: 1p34.1.
Variant type: single nucleotide variant.
Coding change: c.1325G>A on transcript NM_017739.4 (MANE Select); coding-DNA position 1325, G replaced by A.
Protein change: p.Arg442His; replaces arginine 442 with histidine.
Molecular consequence: missense variant.
Genome position (GRCh38, 1-based): chr1:46,192,396, C>T on the plus strand (G>A on the coding strand, the complement: POMGNT1 is on the minus strand). VCF-style: chr1-46192396-C-T. GRCh37 (hg19) VCF-style: chr1-46658068-C-T.
Other names: NM_017739.4(POMGNT1):c.1325G>A; p.Arg442His; c.1325G>A (NM_001243766.1); c.1325G>A, p.Arg442His (NM_001243766.2, NM_001410783.1); c.1259G>A, p.Arg420His (NM_001290129.3); c.896G>A, p.Arg299His (NM_001290130.2); short protein forms R299H, R420H, R442H.
Identifiers: ClinVar variation 872288 (VCV000872288.56), dbSNP rs150877512, ClinGen allele CA833406.
Genomic context (GRCh38, chr1:46,192,396, plus strand): 5'-AGCTCCTCCTTGTACAAGGACCTCCTGAGCACCCAGCCCAGCCCAGGCATGGTCTCCACA[C>T]GGTACAGTAGTGCTGGGTCCTCAGCCGTGTGTTCATACCCCTGGGGACAGGGTGCCATAG-3'
Protein context (NP_060209.4, residues 432-452): HTAEDPALLY[Arg442His]VETMPGLGWV